The following is an entry in ClinVar:

NM_004006.3(DMD):c.9448A>T (p.Ile3150Phe)

Gene: DMD (dystrophin; minus strand). Cytogenetic location: Xp21.2.
Variant type: single nucleotide variant.
Coding change: c.9448A>T on transcript NM_004006.3 (MANE Select); coding-DNA position 9448, A replaced by T.
Protein change: p.Ile3150Phe; replaces isoleucine 3150 with phenylalanine.
Molecular consequence: missense variant.
Genome position (GRCh38, 1-based): chrX:31,209,613, T>A on the plus strand (A>T on the coding strand, the complement: DMD is on the minus strand). VCF-style: chrX-31209613-T-A. GRCh37 (hg19) VCF-style: chrX-31227730-T-A.
Other names: c.9424A>T, p.Ile3142Phe (NM_000109.4); c.9436A>T, p.Ile3146Phe (NM_004009.3); c.9079A>T, p.Ile3027Phe (NM_004010.3); c.5425A>T, p.Ile1809Phe (NM_004011.4); c.5416A>T, p.Ile1806Phe (NM_004012.4); c.2068A>T, p.Ile690Phe (NM_004013.3, NM_004020.4, NM_004021.3 and 2 more transcripts); c.1261A>T, p.Ile421Phe (NM_004014.3); c.244A>T, p.Ile82Phe (NM_004015.3, NM_004016.3, NM_004017.3 and 2 more transcripts); short protein forms I3027F, I1806F, I3142F, I3146F, I3150F, I82F, I1809F, I421F.
Identifiers: ClinVar variation 2166919 (VCV002166919.4), dbSNP rs2521432716, ClinGen allele CA412649976.

ClinVar aggregate classification (germline): Uncertain significance (1 of 4 stars; one submission).

Conditions:
Duchenne muscular dystrophy (DMD). Also called: MUSCULAR DYSTROPHY, PSEUDOHYPERTROPHIC PROGRESSIVE, DUCHENNE TYPE; Duchenne Muscular Dystrophy (DMD). Identifiers: Orphanet 98896, MedGen C0013264, MONDO:0010679, OMIM 310200.

Submission:

Labcorp Genetics (formerly Invitae), Labcorp
Classification: Uncertain significance for Duchenne muscular dystrophy. Last evaluated: 2022-01-03. Review status: criteria provided, single submitter. Criteria: Invitae Variant Classification Sherloc (09022015). Collection method: clinical testing. Allele origin: germline.
Comment: This sequence change replaces isoleucine, which is neutral and non-polar, with phenylalanine, which is neutral and non-polar, at codon 3150 of the DMD protein (p.Ile3150Phe). This variant is not present in population databases (gnomAD no frequency). This variant has not been reported in the literature in individuals affected with DMD-related conditions. Algorithms developed to predict the effect of missense changes on protein structure and function are either unavailable or do not agree on the potential impact of this missense change (SIFT: "Deleterious"; PolyPhen-2: "Benign"; Align-GVGD: "Class C0"). In summary, the available evidence is currently insufficient to determine the role of this variant in disease. Therefore, it has been classified as a Variant of Uncertain Significance.